The following is an entry in ClinVar:

ClinVar aggregate classification (germline): Uncertain significance (1 of 4 stars; one submission).

Conditions:
Immunodeficiency 132A. Also called: Herpes simplex encephalitis, susceptibility to, 3. Identifiers: Orphanet 1930, MedGen C3553868, MONDO:0013920, OMIM 614849.

gnomAD v4.1: 2 of 1,612,170 alleles (0.00012%); highest among the groups gnomAD compares: Non-Finnish European, 0.00017%; no homozygotes.

Submission:

Labcorp Genetics (formerly Invitae), Labcorp
Classification: Uncertain significance for Immunodeficiency 132A. Last evaluated: 2023-01-28. Review status: criteria provided, single submitter. Criteria: Invitae Variant Classification Sherloc (09022015). Collection method: clinical testing. Allele origin: germline.
Comment: Algorithms developed to predict the effect of missense changes on protein structure and function (SIFT, PolyPhen-2, Align-GVGD) all suggest that this variant is likely to be tolerated. This variant has not been reported in the literature in individuals affected with TRAF3-related conditions. The frequency data for this variant in the population databases is considered unreliable, as metrics indicate poor data quality at this position in the gnomAD database. This sequence change replaces valine, which is neutral and non-polar, with phenylalanine, which is neutral and non-polar, at codon 210 of the TRAF3 protein (p.Val210Phe). In summary, the available evidence is currently insufficient to determine the role of this variant in disease. Therefore, it has been classified as a Variant of Uncertain Significance.

NM_145725.3(TRAF3):c.628G>T (p.Val210Phe)

Genes: TRAF3 (TNF receptor associated factor 3; plus strand), LOC126862065 (BRD4-independent group 4 enhancer GRCh37_chr14:103352003-103353202; plus strand). Cytogenetic location: 14q32.32.
Variant type: single nucleotide variant.
Coding change: c.628G>T on transcript NM_145725.3 (MANE Select); coding-DNA position 628, G replaced by T.
Protein change: p.Val210Phe; replaces valine 210 with phenylalanine.
Molecular consequence: missense variant. On other transcripts: intron variant (2).
Genome position (GRCh38, 1-based): chr14:102,886,246, G>T. VCF-style: chr14-102886246-G-T. GRCh37 (hg19) VCF-style: chr14-103352583-G-T.
Other names: c.628G>T, p.Val210Phe (NM_001385142.1, NM_003300.4, NM_145726.3); c.571-3314G>T (NM_001385143.1); c.570+9721G>T (NM_001199427.2); short protein forms V210F.
Identifiers: ClinVar variation 2883853 (VCV002883853.3), dbSNP rs145947234, ClinGen allele CA391071599.